The following is an entry in ClinVar:

ClinVar aggregate classification (germline): Uncertain significance. Review status: criteria provided, multiple submitters, no conflicts (2 of 4 stars). 2 submissions from 2 submitters: Uncertain significance (2). Last evaluated 2025-04-23.

Conditions:
Seizures, benign familial infantile, 2 (BFIS2). Also called: CONVULSIONS, BENIGN FAMILIAL INFANTILE, 2. Identifiers: Orphanet 306, MedGen C1853995, MONDO:0011593, OMIM 605751.
Infantile convulsions and choreoathetosis (ICCA). Also called: PAROXYSMAL KINESIGENIC DYSKINESIA WITH INFANTILE CONVULSIONS; PRRT2-Related Paroxysmal Kinesigenic Dyskinesia with Infantile Convulsions (PKD/IC). Identifiers: Orphanet 31709, MedGen C1865926, MONDO:0011178, OMIM 602066.
Episodic kinesigenic dyskinesia 1 (EKD1). Also called: DYSTONIA, FAMILIAL PAROXYSMAL; PAROXYSMAL KINESIGENIC CHOREOATHETOSIS; Dystonia 10; PRRT2-Related Paroxysmal Kinesigenic Dyskinesia (PKD); PxMD-PRRT2. Identifiers: Orphanet 98809, MedGen C4552000, MONDO:0100352, OMIM 128200, MONDO:0007494.
Episodic kinesigenic dyskinesia (EKD). Also called: Paroxysmal kinesigenic dyskinesia. Identifiers: Orphanet 98809, MedGen C1868682, MONDO:0044202.

gnomAD v4.1: 13 of 1,613,222 alleles (0.00081%); highest among the groups gnomAD compares: Non-Finnish European, 0.0011%; no homozygotes.

Submissions (2):

Labcorp Genetics (formerly Invitae), Labcorp
Classification: Uncertain significance for Episodic kinesigenic dyskinesia. Last evaluated: 2025-04-23. Review status: criteria provided, single submitter. Criteria: Invitae Variant Classification Sherloc (09022015). Collection method: clinical testing. Allele origin: germline.
Comment: This sequence change replaces alanine, which is neutral and non-polar, with proline, which is neutral and non-polar, at codon 189 of the PRRT2 protein (p.Ala189Pro). This variant is not present in population databases (gnomAD no frequency). This variant has not been reported in the literature in individuals affected with PRRT2-related conditions. ClinVar contains an entry for this variant (Variation ID: 3580044). Invitae Evidence Modeling of protein sequence and biophysical properties (such as structural, functional, and spatial information, amino acid conservation, physicochemical variation, residue mobility, and thermodynamic stability) indicates that this missense variant is not expected to disrupt PRRT2 protein function with a negative predictive value of 95%. In summary, the available evidence is currently insufficient to determine the role of this variant in disease. Therefore, it has been classified as a Variant of Uncertain Significance.

Fulgent Genetics
Classification: Uncertain significance for Episodic kinesigenic dyskinesia 1; Infantile convulsions and choreoathetosis; Seizures, benign familial infantile, 2. Last evaluated: 2024-05-21. Review status: criteria provided, single submitter. Criteria: ACMG Guidelines, 2015. Collection method: clinical testing. Allele origin: germline.

NM_145239.3(PRRT2):c.565G>C (p.Ala189Pro)

Genes: MVP-DT (MVP divergent transcript; minus strand), PRRT2 (proline rich transmembrane protein 2; plus strand). Cytogenetic location: 16p11.2.
Variant type: single nucleotide variant.
Coding change: c.565G>C on transcript NM_145239.3 (MANE Select); coding-DNA position 565, G replaced by C.
Protein change: p.Ala189Pro; replaces alanine 189 with proline.
Molecular consequence: missense variant.
Genome position (GRCh38, 1-based): chr16:29,813,619, G>C. VCF-style: chr16-29813619-G-C. GRCh37 (hg19) VCF-style: chr16-29824940-G-C.
Other names: c.565G>C, p.Ala189Pro (NM_001256442.2, NM_001256443.2); short protein forms A189P.
Identifiers: ClinVar variation 3580044 (VCV003580044.2).